The following is an entry in ClinVar:

ClinVar aggregate classification (germline): Uncertain significance (1 of 4 stars; one submission).

Allele frequency attached by ClinVar (database versions not stated): TOPMed below 0.00001; gnomAD 0.00001.
gnomAD v4.1: 1 of 1,613,100 alleles (0.000062%); highest among the groups gnomAD compares: Admixed American, 0.0017%; no homozygotes.

Submission:

Labcorp Genetics (formerly Invitae), Labcorp
Classification: Uncertain significance. Last evaluated: 2023-06-10. Review status: criteria provided, single submitter. Criteria: Invitae Variant Classification Sherloc (09022015). Collection method: clinical testing. Allele origin: germline.
Comment: In summary, the available evidence is currently insufficient to determine the role of this variant in disease. Therefore, it has been classified as a Variant of Uncertain Significance. Advanced modeling of protein sequence and biophysical properties (such as structural, functional, and spatial information, amino acid conservation, physicochemical variation, residue mobility, and thermodynamic stability) performed at Invitae indicates that this missense variant is expected to disrupt DNAH9 protein function. This variant has not been reported in the literature in individuals affected with DNAH9-related conditions. This variant is not present in population databases (gnomAD no frequency). This sequence change replaces glycine, which is neutral and non-polar, with glutamic acid, which is acidic and polar, at codon 3533 of the DNAH9 protein (p.Gly3533Glu).

NM_001372.4(DNAH9):c.10598G>A (p.Gly3533Glu)

Genes: DNAH9 (dynein axonemal heavy chain 9; plus strand), LOC101928350 (uncharacterized LOC101928350; minus strand). Cytogenetic location: 17p12.
Variant type: single nucleotide variant.
Coding change: c.10598G>A on transcript NM_001372.4 (MANE Select); coding-DNA position 10598, G replaced by A.
Protein change: p.Gly3533Glu; replaces glycine 3533 with glutamic acid.
Molecular consequence: missense variant.
Genome position (GRCh38, 1-based): chr17:11,880,197, G>A. VCF-style: chr17-11880197-G-A. GRCh37 (hg19) VCF-style: chr17-11783514-G-A.
Other names: short protein forms G3533E.
Identifiers: ClinVar variation 2982083 (VCV002982083.3), dbSNP rs1972664013, ClinGen allele CA398197789.
Genomic context (GRCh38, chr17:11,880,197, plus strand): 5'-TAGAGGAGTCCATTGATCCTGTTCTGGGACCCCTGCTTGGGAGAGAAGTCATTAAAAAAG[G>A]ACGGTAAGACTCAGCTGTGTTGCTGACCCTTCGGGGGGAGCTGGTTCATGGCCCTGGTTA-3'
Protein context (NP_001363.2, residues 3523-3543): PLLGREVIKK[Gly3533Glu]RFIKIGDKEC